The following is an entry in ClinVar:

NM_004519.4(KCNQ3):c.705G>A (p.Leu235=)

Gene: KCNQ3 (potassium voltage-gated channel subfamily Q member 3; minus strand). Cytogenetic location: 8q24.22.
Variant type: single nucleotide variant.
Coding change: c.705G>A on transcript NM_004519.4 (MANE Select); coding-DNA position 705, G replaced by A.
Protein change: p.Leu235=; no amino-acid change (leucine 235 retained).
Molecular consequence: synonymous variant.
Genome position (GRCh38, 1-based): chr8:132,180,229, C>T on the plus strand (G>A on the coding strand, the complement: KCNQ3 is on the minus strand). VCF-style: chr8-132180229-C-T. GRCh37 (hg19) VCF-style: chr8-133192476-C-T.
Other names: c.345G>A, p.Leu115= (NM_001204824.2).
Identifiers: ClinVar variation 4874596 (VCV004874596.2).

ClinVar aggregate classification (germline): Likely benign (1 of 4 stars; one submission).

Submission:

CeGaT Center for Human Genetics Tuebingen
Classification: Likely benign. Last evaluated: 2026-04-01. Review status: criteria provided, single submitter. Criteria: CeGaT Center For Human Genetics Tuebingen Variant Classification Criteria Version 2. Collection method: clinical testing. Allele origin: germline. Affected: yes. Observed: 1 variant allele.
Comment: KCNQ3: PM2:Supporting, BP4, BP7